The following is an entry in ClinVar:

NM_005120.3(MED12):c.2302C>T (p.Arg768Cys)

Gene: MED12 (mediator complex subunit 12; plus strand). Cytogenetic location: Xq13.1.
Variant type: single nucleotide variant.
Coding change: c.2302C>T on transcript NM_005120.3 (MANE Select); coding-DNA position 2302, C replaced by T.
Protein change: p.Arg768Cys; replaces arginine 768 with cysteine.
Molecular consequence: missense variant.
Genome position (GRCh38, 1-based): chrX:71,125,426, C>T. VCF-style: chrX-71125426-C-T. GRCh37 (hg19) VCF-style: chrX-70345276-C-T.
Other names: short protein forms R768C.
Identifiers: ClinVar variation 2787377 (VCV002787377.3), dbSNP rs2147793049, ClinGen allele CA413511962.
Genomic context (GRCh38, chrX:71,125,426, plus strand): 5'-CATGAGTGCAACCAGCGGTTGGTCGTACTGTTTGGGGTGGGAAAGCAGCGAGATGATGCC[C>T]GCCATGCCATCAAGAAAATCACCAAGGATATCTTGAAGGTTCTGAACCGCAAAGGGACAG-3'
Protein context (NP_005111.2, residues 758-778): FGVGKQRDDA[Arg768Cys]HAIKKITKDI

ClinVar aggregate classification (germline): Uncertain significance (1 of 4 stars; one submission).

Conditions:
FG syndrome (FGS). Identifiers: MedGen C0220769, MONDO:0002010.

Allele frequency attached by ClinVar (database versions not stated): gnomAD exomes 0.00001.
gnomAD v4.1: 6 of 1,209,991 alleles (0.0005%); highest among the groups gnomAD compares: Non-Finnish European, 0.00067%; no homozygotes.

Submission:

Labcorp Genetics (formerly Invitae), Labcorp
Classification: Uncertain significance for FG syndrome. Last evaluated: 2023-03-07. Review status: criteria provided, single submitter. Criteria: Invitae Variant Classification Sherloc (09022015). Collection method: clinical testing. Allele origin: germline.
Comment: This sequence change replaces arginine, which is basic and polar, with cysteine, which is neutral and slightly polar, at codon 768 of the MED12 protein (p.Arg768Cys). This variant is not present in population databases (gnomAD no frequency). This variant has not been reported in the literature in individuals affected with MED12-related conditions. Advanced modeling of protein sequence and biophysical properties (such as structural, functional, and spatial information, amino acid conservation, physicochemical variation, residue mobility, and thermodynamic stability) performed at Invitae indicates that this missense variant is expected to disrupt MED12 protein function. In summary, the available evidence is currently insufficient to determine the role of this variant in disease. Therefore, it has been classified as a Variant of Uncertain Significance.